The following is an entry in ClinVar:

NM_000152.5(GAA):c.2033T>C (p.Leu678Pro)

Gene: GAA (alpha glucosidase; plus strand). Cytogenetic location: 17q25.3.
Variant type: single nucleotide variant.
Coding change: c.2033T>C on transcript NM_000152.5 (MANE Select); coding-DNA position 2033, T replaced by C.
Protein change: p.Leu678Pro; replaces leucine 678 with proline.
Molecular consequence: missense variant.
Genome position (GRCh38, 1-based): chr17:80,113,020, T>C. VCF-style: chr17-80113020-T-C. GRCh37 (hg19) VCF-style: chr17-78086819-T-C.
Other names: c.2033T>C, p.Leu678Pro (NM_001079803.3, NM_001079804.3, NM_001406741.1 and 1 more transcripts); short protein forms L678P.
Identifiers: ClinVar variation 5004898 (VCV005004898.1).

ClinVar aggregate classification (germline): Uncertain significance (1 of 4 stars; one submission).

Conditions:
Glycogen storage disease, type II (IOPD). Also called: Pompe Disease; CARDIOMEGALIA GLYCOGENICA DIFFUSA; GLYCOGENOSIS, GENERALIZED, CARDIAC FORM; GSD II; Glycogen storage disease type 2; Acid maltase deficiency disease. Identifiers: Orphanet 365, MedGen C0017921, MONDO:0009290, OMIM 232300.

gnomAD v4.1: 1 of 1,609,806 alleles (0.000062%); highest among the groups gnomAD compares: Non-Finnish European, 0.000085%; no homozygotes.

Submission:

Myriad Genetics, Inc.
Classification: Uncertain significance for Glycogen storage disease, type II. Last evaluated: 2026-07-13. Review status: criteria provided, single submitter. Criteria: Myriad Autosomal Dominant, Autosomal Recessive and X-Linked Classification Criteria (2023). Collection method: clinical testing. Allele origin: unknown.
Comment: NM_000152.3(GAA):c.2033T>C(L678P) is a missense variant classified as a variant of uncertain significance in the context of Pompe disease. L678P has been observed in a case with relevant disease (PMID: 39678382). Relevant functional assessments of this variant are not available in the literature. L678P has not been observed in referenced population frequency databases. In summary, there is insufficient evidence to classify NM_000152.3(GAA):c.2033T>C(L678P) as pathogenic or benign. Please note: this variant was assessed in the context of healthy population screening.

Literature cited by the submitters: PubMed 39678382.